The following is an entry in ClinVar:

NM_015215.4(CAMTA1):c.4129T>C (p.Tyr1377His)

Genes: CAMTA1 (calmodulin binding transcription activator 1; plus strand), LOC126805603 (CDK7 strongly-dependent group 2 enhancer GRCh37_chr1:7798026-7799225; plus strand). Cytogenetic location: 1p36.23.
Variant type: single nucleotide variant.
Coding change: c.4129T>C on transcript NM_015215.4 (MANE Select); coding-DNA position 4129, T replaced by C.
Protein change: p.Tyr1377His; replaces tyrosine 1377 with histidine.
Molecular consequence: missense variant.
Genome position (GRCh38, 1-based): chr1:7,738,429, T>C. VCF-style: chr1-7738429-T-C. GRCh37 (hg19) VCF-style: chr1-7798489-T-C.
Other names: c.4039T>C, p.Tyr1347His (NM_001349608.2); c.3790T>C, p.Tyr1264His (NM_001349609.2, NM_001349610.2, NM_001410737.1); c.3700T>C, p.Tyr1234His (NM_001349612.2); c.1258T>C, p.Tyr420His (NM_001349613.1); c.1201T>C, p.Tyr401His (NM_001349614.1, NM_001349615.2, NM_001349616.2 and 2 more transcripts); c.862T>C, p.Tyr288His (NM_001349619.2, NM_001349620.1, NM_001349621.1 and 5 more transcripts); c.3718T>C, p.Tyr1240His (NM_001410738.1); short protein forms Y1234H, Y1240H, Y1264H, Y1347H, Y1377H, Y288H, Y401H, Y420H.
Identifiers: ClinVar variation 4279540 (VCV004279540.1).

ClinVar aggregate classification (germline): Uncertain significance (1 of 4 stars; one submission).

Conditions:
Cerebellar dysfunction with variable cognitive and behavioral abnormalities (CECBA). Also called: Nonprogressive cerebellar atxia with intellectual disability. Identifiers: Orphanet 314647, MedGen C3553661, MONDO:0013886, OMIM 614756.

Submission:

Department of Paediatrics at Addenbrookes, Cambridge University Hospitals NHS Foundation Trust (UK)
Classification: Uncertain significance for Cerebellar dysfunction with variable cognitive and behavioral abnormalities. Last evaluated: 2025-05-27. Review status: criteria provided, single submitter. Criteria: Durkie Uk Practice Guidelines For Variant Classification V12 2024 (1). Collection method: clinical testing. Allele origin: unknown.
Comment: PM2_Moderate; PP2_Supporting; BP4_Supporting